The following is an entry in ClinVar:

ClinVar aggregate classification (germline): Pathogenic (1 of 4 stars; one submission).

Submission:

GeneDx
Classification: Pathogenic. Last evaluated: 2020-06-18. Review status: criteria provided, single submitter. Criteria: GeneDx Variant Classification (06012015). Collection method: clinical testing. Allele origin: germline. Affected: yes.
Comment: Initiation codon variant in a gene for which loss-of-function is a known mechanism of disease. Not observed in large population cohorts (Lek et al., 2016). We interpret c.1 A>G as a pathogenic variant.

NM_014232.3(VAMP2):c.1A>G (p.Met1Val)

Gene: VAMP2 (vesicle associated membrane protein 2; minus strand). Cytogenetic location: 17p13.1.
Variant type: single nucleotide variant.
Coding change: c.1A>G on transcript NM_014232.3 (MANE Select); coding-DNA position 1, A replaced by G.
Protein change: p.Met1Val; changes the start codon (methionine 1).
Molecular consequence: missense variant, initiator codon variant.
Genome position (GRCh38, 1-based): chr17:8,162,879, T>C on the plus strand (A>G on the coding strand, the complement: VAMP2 is on the minus strand). VCF-style: chr17-8162879-T-C. GRCh37 (hg19) VCF-style: chr17-8066197-T-C.
Other names: short protein forms M1V.
Identifiers: ClinVar variation 929462 (VCV000929462.2), dbSNP rs1983361683, ClinGen allele CA397967029.
Genomic context (GRCh38, chr17:8,162,879, plus strand): 5'-TGCCAAGGGCGGCGGCCGGCGCAGGGAAGCGCGGTGAGGGTGGCGGGCGGCCGACTCACA[T>C]GGCGGGGGCAGCGGGTGGAGGACTTGGCAGCGGCAGTGATGGCGGCGGCGGCTCGCGCTG-3'
Protein context (NP_055047.2, residues 1-11): [Met1Val]SATAATAPPA